The following is an entry in ClinVar:

ClinVar aggregate classification (germline): Uncertain significance. Review status: criteria provided, multiple submitters, no conflicts (2 of 4 stars). 2 submissions from 2 submitters: Uncertain significance (2). Last evaluated 2025-01-17.

Conditions:
Hereditary cancer-predisposing syndrome. Also called: Hereditary Cancer Syndrome; Tumor predisposition; Hereditary neoplastic syndrome; Neoplastic Syndromes, Hereditary. Identifiers: Orphanet 140162, MedGen C0027672, MeSH D009386, MONDO:0015356.
EGFR-related lung cancer (EGFR). Identifiers: MedGen CN130014.

Allele frequency attached by ClinVar (database versions not stated): TOPMed below 0.00001.

Submissions (2):

Labcorp Genetics (formerly Invitae), Labcorp
Classification: Uncertain significance for EGFR-related lung cancer. Last evaluated: 2025-01-17. Review status: criteria provided, single submitter. Criteria: Invitae Variant Classification Sherloc (09022015). Collection method: clinical testing. Allele origin: germline.
Comment: This sequence change replaces lysine, which is basic and polar, with arginine, which is basic and polar, at codon 1160 of the EGFR protein (p.Lys1160Arg). This variant is not present in population databases (gnomAD no frequency). This variant has not been reported in the literature in individuals affected with EGFR-related conditions. ClinVar contains an entry for this variant (Variation ID: 1042359). An algorithm developed to predict the effect of missense changes on protein structure and function outputs the following: PolyPhen-2: "Benign". The arginine amino acid residue is found in multiple mammalian species, which suggests that this missense change does not adversely affect protein function. In summary, the available evidence is currently insufficient to determine the role of this variant in disease. Therefore, it has been classified as a Variant of Uncertain Significance.

Ambry Genetics
Classification: Uncertain significance for Hereditary cancer-predisposing syndrome. Last evaluated: 2024-11-22. Review status: criteria provided, single submitter. Criteria: Ambry Variant Classification Scheme 2023. Collection method: clinical testing. Allele origin: germline.
Comment: The p.K1160R variant (also known as c.3479A>G), located in coding exon 28 of the EGFR gene, results from an A to G substitution at nucleotide position 3479. The lysine at codon 1160 is replaced by arginine, an amino acid with highly similar properties. This amino acid position is conserved. In addition, this alteration is predicted to be tolerated by in silico analysis. Based on the available evidence, the clinical significance of this variant remains unclear.

NM_005228.5(EGFR):c.3479A>G (p.Lys1160Arg)

Gene: EGFR (epidermal growth factor receptor; plus strand). Cytogenetic location: 7p11.2.
Variant type: single nucleotide variant.
Coding change: c.3479A>G on transcript NM_005228.5 (MANE Select); coding-DNA position 3479, A replaced by G.
Protein change: p.Lys1160Arg; replaces lysine 1160 with arginine.
Molecular consequence: missense variant.
Genome position (GRCh38, 1-based): chr7:55,205,463, A>G. VCF-style: chr7-55205463-A-G. GRCh37 (hg19) VCF-style: chr7-55273156-A-G.
Other names: c.3479A>G (NM_005228.3); c.3344A>G, p.Lys1115Arg (NM_001346899.2); c.3320A>G, p.Lys1107Arg (NM_001346900.2); c.2678A>G, p.Lys893Arg (NM_001346941.2); short protein forms K1115R, K893R, K1107R, K1160R.
Identifiers: ClinVar variation 1042359 (VCV001042359.10), dbSNP rs1788072885, ClinGen allele CA367584710.
Genomic context (GRCh38, chr7:55,205,463, plus strand): 5'-ACACTGTCCAGCCCACCTGTGTCAACAGCACATTCGACAGCCCTGCCCACTGGGCCCAGA[A>G]AGGCAGCCACCAAATTAGCCTGGACAACCCTGACTACCAGCAGGACTTCTTTCCCAAGGA-3'
Protein context (NP_005219.2, residues 1150-1170): TFDSPAHWAQ[Lys1160Arg]GSHQISLDNP